The following is an entry in ClinVar:

ClinVar aggregate classification (germline): Uncertain significance. Review status: criteria provided, multiple submitters, no conflicts (2 of 4 stars). 2 submissions from 2 submitters: Uncertain significance (2). Last evaluated 2022-11-03.

Conditions:
Cardiovascular phenotype. Identifiers: MedGen CN230736.

gnomAD v4.1: 3 of 1,611,794 alleles (0.00019%); highest among the groups gnomAD compares: Non-Finnish European, 0.00025%; no homozygotes.

Submissions (2):

Revvity Omics, Revvity
Classification: Uncertain significance. Last evaluated: 2022-11-03. Review status: criteria provided, single submitter. Criteria: ACMG Guidelines, 2015. Collection method: clinical testing. Allele origin: germline.

Ambry Genetics
Classification: Uncertain significance for Cardiovascular phenotype. Last evaluated: 2019-05-11. Review status: criteria provided, single submitter. Criteria: Ambry Variant Classification Scheme 2023. Collection method: clinical testing. Allele origin: germline.
Comment: The p.Y10830C variant (also known as c.32489A>G), located in coding exon 129 of the TTN gene, results from an A to G substitution at nucleotide position 32489. The tyrosine at codon 10830 is replaced by cysteine, an amino acid with highly dissimilar properties. This amino acid position is highly conserved in available vertebrate species. In addition, this alteration is predicted to be tolerated by in silico analysis. Since supporting evidence is limited at this time, the clinical significance of this alteration remains unclear.

NM_001267550.2(TTN):c.59684A>G (p.Tyr19895Cys)

Genes: TTN (titin; minus strand), TTN-AS1 (TTN antisense RNA 1; plus strand), LOC126806424 (CDK7 strongly-dependent group 2 enhancer GRCh37_chr2:179456337-179457536; plus strand). Cytogenetic location: 2q31.2.
Variant type: single nucleotide variant.
Coding change: c.59684A>G on transcript NM_001267550.2 (MANE Select); coding-DNA position 59684, A replaced by G.
Protein change: p.Tyr19895Cys; replaces tyrosine 19895 with cysteine.
Molecular consequence: missense variant.
Genome position (GRCh38, 1-based): chr2:178,592,220, T>C on the plus strand (A>G on the coding strand, the complement: TTN is on the minus strand). VCF-style: chr2-178592220-T-C. GRCh37 (hg19) VCF-style: chr2-179456947-T-C.
Other names: c.33065A>G, p.Tyr11022Cys (NM_133437.4); c.54761A>G, p.Tyr18254Cys (NM_001256850.1); c.32489A>G, p.Tyr10830Cys (NM_003319.4); c.51980A>G, p.Tyr17327Cys (NM_133378.4); c.32864A>G, p.Tyr10955Cys (NM_133432.3); short protein forms Y10830C, Y10955C, Y17327C, Y18254C, Y19895C, Y11022C.
Identifiers: ClinVar variation 1729361 (VCV001729361.5), dbSNP rs1355833226, ClinGen allele CA349491457.